The following is an entry in ClinVar:

ClinVar aggregate classification (germline): Benign. Review status: criteria provided, multiple submitters, no conflicts (2 of 4 stars). 3 submissions from 3 submitters: Benign (3). Last evaluated 2026-08-01.

Allele frequency attached by ClinVar (database versions not stated): 1000 Genomes Project 0.00220; 1000 Genomes Project 30x 0.00250; ExAC 0.00377; gnomAD exomes 0.00401 and 0.00579; gnomAD 0.00428 and 0.00442; TOPMed 0.00428; ESP Exome Variant Server 0.00592.
gnomAD v4.1: 9,201 of 1,611,172 alleles (0.57%); highest among the groups gnomAD compares: Non-Finnish European, 0.67%; 29 homozygotes.

Submissions (3):

CeGaT Center for Human Genetics Tuebingen
Classification: Benign. Last evaluated: 2026-08-01. Review status: criteria provided, single submitter. Criteria: CeGaT Center For Human Genetics Tuebingen Variant Classification Criteria Version 2. Collection method: clinical testing. Allele origin: germline. Affected: yes. Observed: 37 variant alleles.
Comment: RERE: BP4, BP7, BS1, BS2

Labcorp Genetics (formerly Invitae), Labcorp
Classification: Benign. Last evaluated: 2026-01-05. Review status: criteria provided, single submitter. Criteria: Invitae Variant Classification Sherloc (09022015). Collection method: clinical testing. Allele origin: germline.

Breakthrough Genomics
Classification: Benign. Review status: criteria provided, single submitter. Criteria: ACMG Guidelines, 2015. Collection method: not provided. Allele origin: germline. Inheritance: Autosomal dominant inheritance. Affected: yes.

NM_001042681.2(RERE):c.363G>A (p.Pro121=)

Gene: RERE (arginine-glutamic acid dipeptide repeats; minus strand). Cytogenetic location: 1p36.23.
Variant type: single nucleotide variant.
Coding change: c.363G>A on transcript NM_001042681.2 (MANE Select); coding-DNA position 363, G replaced by A.
Protein change: p.Pro121=; no amino-acid change (proline 121 retained).
Molecular consequence: synonymous variant.
Genome position (GRCh38, 1-based): chr1:8,624,343, C>T on the plus strand (G>A on the coding strand, the complement: RERE is on the minus strand). VCF-style: chr1-8624343-C-T. GRCh37 (hg19) VCF-style: chr1-8684402-C-T.
Other names: c.363G>A, p.Pro121= (NM_012102.4).
Identifiers: ClinVar variation 775126 (VCV000775126.37), dbSNP rs148683854, ClinGen allele CA572103.